The following is an entry in ClinVar:

ClinVar aggregate classification (germline): Conflicting classifications of pathogenicity. Review status: criteria provided, conflicting classifications (1 of 4 stars). 11 submissions from 6 submitters: Uncertain significance (10); Likely benign (1). Last evaluated 2026-06-11.

Conditions:
Familial thoracic aortic aneurysm and aortic dissection (TAAD). Also called: Thoracic aortic aneurysms and dissections. Identifiers: Orphanet 91387, MedGen C4707243, MONDO:0019625.
Marfan syndrome (MFS). Also called: Marfan syndrome, classic; Marfan syndrome type 1; Marfan's syndrome; FBN1-Related Marfan Syndrome; MARFAN SYNDROME, TYPE I. Identifiers: Orphanet 284963, Orphanet 558, MedGen C0024796, MONDO:0007947, OMIM 154700.
Acromicric dysplasia (ACMICD). Also called: Acromicric skeletal dysplasia. Identifiers: Orphanet 969, MedGen C0265287, MONDO:0007055, OMIM 102370.
Weill-Marchesani syndrome. Also called: WM Syndrome; Mesodermal dysmorphodystrophy congenital. Identifiers: Orphanet 3449, MedGen C0265313, MONDO:0018096.
Stiff skin syndrome (SSKS). Identifiers: Orphanet 2833, MedGen C1861456, MONDO:0008492, OMIM 184900.
Ectopia lentis 1, isolated, autosomal dominant (ECTOL1). Identifiers: Orphanet 1885, MedGen C3541518, MONDO:0007514, OMIM 129600.

Allele frequency attached by ClinVar (database versions not stated): ESP Exome Variant Server 0.00008; ExAC 0.00002; TOPMed 0.00002.
gnomAD v4.1: 22 of 1,614,068 alleles (0.0014%); highest among the groups gnomAD compares: East Asian, 0.0089%; no homozygotes.

Submissions (11):

Women's Health and Genetics/Laboratory Corporation of America, LabCorp
Classification: Uncertain significance. Last evaluated: 2026-06-11. Review status: criteria provided, single submitter. Criteria: LabCorp Variant Classification Summary - May 2015. Collection method: clinical testing. Allele origin: germline.
Comment: Variant summary: FBN1 c.3224G>A (p.Arg1075His) results in a non-conservative amino acid change in the encoded protein sequence. Algorithms developed to predict the effect of missense changes on protein structure and function are either unavailable or do not agree on the potential impact of this missense change. The variant allele was found at a frequency of 2e-05 in 251452 control chromosomes. The available data on variant occurrences in the general population are insufficient to allow any conclusion about variant significance. To our knowledge, no occurrence of c.3224G>A in individuals affected with FBN1-related conditions and no experimental evidence demonstrating its impact on protein function have been reported. ClinVar contains an entry for this variant (Variation ID: 887213). Based on the evidence outlined above, the variant was classified as uncertain significance.

Color Diagnostics, LLC DBA Color Health
Classification: Likely benign for Familial thoracic aortic aneurysm and aortic dissection. Last evaluated: 2025-05-26. Review status: criteria provided, single submitter. Criteria: ACMG Guidelines, 2015. Collection method: clinical testing. Allele origin: germline.

Labcorp Genetics (formerly Invitae), Labcorp
Classification: Uncertain significance for Marfan syndrome; Familial thoracic aortic aneurysm and aortic dissection. Last evaluated: 2024-10-22. Review status: criteria provided, single submitter. Criteria: Invitae Variant Classification Sherloc (09022015). Collection method: clinical testing. Allele origin: germline.
Comment: This sequence change replaces arginine, which is basic and polar, with histidine, which is basic and polar, at codon 1075 of the FBN1 protein (p.Arg1075His). This variant is present in population databases (rs369745372, gnomAD 0.01%). This variant has not been reported in the literature in individuals affected with FBN1-related conditions. ClinVar contains an entry for this variant (Variation ID: 887213). Invitae Evidence Modeling of protein sequence and biophysical properties (such as structural, functional, and spatial information, amino acid conservation, physicochemical variation, residue mobility, and thermodynamic stability) has been performed for this missense variant. However, the output from this modeling did not meet the statistical confidence thresholds required to predict the impact of this variant on FBN1 protein function. In summary, the available evidence is currently insufficient to determine the role of this variant in disease. Therefore, it has been classified as a Variant of Uncertain Significance.

All of Us Research Program, National Institutes of Health
Classification: Uncertain significance for Marfan syndrome. Last evaluated: 2024-08-06. Review status: criteria provided, single submitter. Criteria: ACMG Guidelines, 2015. Collection method: clinical testing. Allele origin: germline. Inheritance: Autosomal dominant inheritance. Observed: 6 variant alleles, 6 heterozygotes.
Comment: This missense variant replaces arginine with histidine at codon 1075 of the FBN1 protein. Computational prediction suggests that this variant may not impact protein structure and function (internally defined REVEL score threshold <= 0.5, PMID: 27666373). Splice site prediction tools suggest that this variant may not impact RNA splicing. To our knowledge, functional studies have not been performed for this variant. This variant has been reported in two healthy, related individuals who showed no signs of Marfan syndrome or aortic aneurysms (PMID: 10679954). This variant has been identified in 6/282848 chromosomes in the general population by the Genome Aggregation Database (gnomAD). The available evidence is insufficient to determine the role of this variant in disease conclusively. Therefore, this variant is classified as a Variant of Uncertain Significance.

This study involves interpretation of variants in research participants for the purpose of population health screening. Participant phenotype was not available at the time of variant classification. Additional details can be found in publication PMID: 35346344, PMCID: PMC8962531

GeneDx
Classification: Uncertain significance. Last evaluated: 2023-07-13. Review status: criteria provided, single submitter. Criteria: GeneDx Variant Classification Process June 2021. Collection method: clinical testing. Allele origin: germline. Affected: yes.
Comment: In silico analysis supports that this missense variant has a deleterious effect on protein structure/function; Although located in a calcium-binding EGF-like domain of the FBN1 gene, it does not affect a cysteine residue within this domain; cysteine substitutions in the calcium-binding EGF-like domains represent the majority of pathogenic missense changes associated with FBN1-related disorders (Collod-Beroud et al., 2003); This variant is associated with the following publications: (PMID: 12203992, 10679954, 12938084)

Illumina Laboratory Services, Illumina
Classification: Uncertain significance for Ectopia lentis 1, isolated, autosomal dominant. Last evaluated: 2017-04-28. Review status: criteria provided, single submitter. Criteria: ICSL Variant Classification Criteria 13 December 2019. Collection method: clinical testing. Allele origin: germline.

Illumina Laboratory Services, Illumina
Classification: Uncertain significance for Acromicric dysplasia. Last evaluated: 2017-04-28. Review status: criteria provided, single submitter. Criteria: ICSL Variant Classification Criteria 13 December 2019. Collection method: clinical testing. Allele origin: germline.

Illumina Laboratory Services, Illumina
Classification: Uncertain significance for Stiff skin syndrome. Last evaluated: 2017-04-28. Review status: criteria provided, single submitter. Criteria: ICSL Variant Classification Criteria 13 December 2019. Collection method: clinical testing. Allele origin: germline.

Illumina Laboratory Services, Illumina
Classification: Uncertain significance for Marfan syndrome. Last evaluated: 2017-04-28. Review status: criteria provided, single submitter. Criteria: ICSL Variant Classification Criteria 13 December 2019. Collection method: clinical testing. Allele origin: germline.
Comment: This variant was observed as part of a predisposition screen in an ostensibly healthy population. A literature search was performed for the gene, cDNA change, and amino acid change (where applicable). Publications were found based on this search. However, the evidence from the literature, in combination with allele frequency data from public databases where available, was not sufficient to rule this variant in or out of causing disease. Therefore, this variant is classified as a variant of unknown significance.

Illumina Laboratory Services, Illumina
Classification: Uncertain significance for Familial thoracic aortic aneurysm and aortic dissection. Last evaluated: 2017-04-28. Review status: criteria provided, single submitter. Criteria: ICSL Variant Classification Criteria 13 December 2019. Collection method: clinical testing. Allele origin: germline.

Illumina Laboratory Services, Illumina
Classification: Uncertain significance for Weill-Marchesani syndrome. Last evaluated: 2017-04-28. Review status: criteria provided, single submitter. Criteria: ICSL Variant Classification Criteria 13 December 2019. Collection method: clinical testing. Allele origin: germline.

Literature cited by the submitters: PubMed 10679954 (cited by All of Us Research Program, National Institutes of Health and Illumina Laboratory Services, Illumina); PubMed 12203992 (cited by Illumina Laboratory Services, Illumina).

NM_000138.5(FBN1):c.3224G>A (p.Arg1075His)

Gene: FBN1 (fibrillin 1; minus strand). Cytogenetic location: 15q21.1.
Variant type: single nucleotide variant.
Coding change: c.3224G>A on transcript NM_000138.5 (MANE Select); coding-DNA position 3224, G replaced by A.
Protein change: p.Arg1075His; replaces arginine 1075 with histidine.
Molecular consequence: missense variant.
Genome position (GRCh38, 1-based): chr15:48,488,226, C>T on the plus strand (G>A on the coding strand, the complement: FBN1 is on the minus strand). VCF-style: chr15-48488226-C-T. GRCh37 (hg19) VCF-style: chr15-48780423-C-T.
Other names: short protein forms R1075H.
Identifiers: ClinVar variation 887213 (VCV000887213.23), dbSNP rs369745372, ClinGen allele CA050191.